The following is an entry in ClinVar:

NM_000260.4(MYO7A):c.3053C>G (p.Thr1018Ser)

Gene: MYO7A (myosin VIIA; plus strand). Cytogenetic location: 11q13.5.
Variant type: single nucleotide variant.
Coding change: c.3053C>G on transcript NM_000260.4 (MANE Select); coding-DNA position 3053, C replaced by G.
Protein change: p.Thr1018Ser; replaces threonine 1018 with serine.
Molecular consequence: missense variant.
Genome position (GRCh38, 1-based): chr11:77,182,099, C>G. VCF-style: chr11-77182099-C-G. GRCh37 (hg19) VCF-style: chr11-76893145-C-G.
Other names: c.3020C>G, p.Thr1007Ser (NM_001369365.1); c.3053C>G, p.Thr1018Ser (NM_001127180.2); short protein forms T1007S, T1018S.
Identifiers: ClinVar variation 1505979 (VCV001505979.6), dbSNP rs782788623, ClinGen allele CA381944210.

ClinVar aggregate classification (germline): Uncertain significance (1 of 4 stars; one submission).

Allele frequency attached by ClinVar (database versions not stated): TOPMed below 0.00001; gnomAD 0.00001.
gnomAD v4.1: 2 of 1,613,312 alleles (0.00012%); highest among the groups gnomAD compares: Non-Finnish European, 0.00017%; no homozygotes.

Submission:

Labcorp Genetics (formerly Invitae), Labcorp
Classification: Uncertain significance. Last evaluated: 2022-02-22. Review status: criteria provided, single submitter. Criteria: Invitae Variant Classification Sherloc (09022015). Collection method: clinical testing. Allele origin: germline.
Comment: This sequence change replaces threonine, which is neutral and polar, with serine, which is neutral and polar, at codon 1018 of the MYO7A protein (p.Thr1018Ser). This variant is not present in population databases (gnomAD no frequency). This variant has not been reported in the literature in individuals affected with MYO7A-related conditions. Advanced modeling of protein sequence and biophysical properties (such as structural, functional, and spatial information, amino acid conservation, physicochemical variation, residue mobility, and thermodynamic stability) performed at Invitae indicates that this missense variant is not expected to disrupt MYO7A protein function. Algorithms developed to predict the effect of sequence changes on RNA splicing suggest that this variant may create or strengthen a splice site. In summary, the available evidence is currently insufficient to determine the role of this variant in disease. Therefore, it has been classified as a Variant of Uncertain Significance.